The following is an entry in ClinVar:

ClinVar aggregate classification (germline): Uncertain significance (1 of 4 stars; one submission).

Conditions:
Dilated cardiomyopathy 1JJ (CMD1JJ). Identifiers: Orphanet 154, MedGen C3808935, MONDO:0014095, OMIM 615235.

Allele frequency attached by ClinVar (database versions not stated): gnomAD exomes 0.00001; TOPMed 0.00001.
gnomAD v4.1: 3 of 1,613,738 alleles (0.00019%); highest among the groups gnomAD compares: Non-Finnish European, 0.00025%; no homozygotes.

Submission:

Labcorp Genetics (formerly Invitae), Labcorp
Classification: Uncertain significance for Dilated cardiomyopathy 1JJ. Last evaluated: 2021-12-13. Review status: criteria provided, single submitter. Criteria: Invitae Variant Classification Sherloc (09022015). Collection method: clinical testing. Allele origin: germline.
Comment: This sequence change replaces threonine, which is neutral and polar, with isoleucine, which is neutral and non-polar, at codon 1627 of the LAMA4 protein (p.Thr1627Ile). In summary, the available evidence is currently insufficient to determine the role of this variant in disease. Therefore, it has been classified as a Variant of Uncertain Significance. Algorithms developed to predict the effect of missense changes on protein structure and function are either unavailable or do not agree on the potential impact of this missense change (SIFT: "Deleterious"; PolyPhen-2: "Probably Damaging"; Align-GVGD: "Class C0"). This variant has not been reported in the literature in individuals affected with LAMA4-related conditions. This variant is not present in population databases (gnomAD no frequency).

NM_001105206.3(LAMA4):c.4901C>T (p.Thr1634Ile)

Gene: LAMA4 (laminin subunit alpha 4; minus strand). Cytogenetic location: 6q21.
Variant type: single nucleotide variant.
Coding change: c.4901C>T on transcript NM_001105206.3 (MANE Select); coding-DNA position 4901, C replaced by T.
Protein change: p.Thr1634Ile; replaces threonine 1634 with isoleucine.
Molecular consequence: missense variant.
Genome position (GRCh38, 1-based): chr6:112,117,819, G>A on the plus strand (C>T on the coding strand, the complement: LAMA4 is on the minus strand). VCF-style: chr6-112117819-G-A. GRCh37 (hg19) VCF-style: chr6-112439022-G-A.
Other names: c.4880C>T, p.Thr1627Ile (NM_001105207.3, NM_002290.5); short protein forms T1627I, T1634I.
Identifiers: ClinVar variation 1461989 (VCV001461989.6), dbSNP rs1194804981, ClinGen allele CA365366430.